The following is an entry in ClinVar:

ClinVar aggregate classification (germline): Pathogenic/Likely pathogenic. Review status: criteria provided, multiple submitters, no conflicts (2 of 4 stars). 5 submissions from 4 submitters: Pathogenic (1); Likely pathogenic (3). 1 of the submissions does not count toward it. Last evaluated 2026-08-19.

Conditions:
Autosomal recessive limb-girdle muscular dystrophy type 2J (LGMDR10). Also called: Limb-girdle muscular dystrophy, type 2J; MUSCULAR DYSTROPHY, LIMB-GIRDLE, AUTOSOMAL RECESSIVE 10. Identifiers: Orphanet 140922, MedGen C1837342, MONDO:0012127, OMIM 608807.
Dilated cardiomyopathy 1G (CMD1G). Identifiers: Orphanet 154, MedGen C1858763, MONDO:0011400, OMIM 604145.
TTN-related disorder. Also called: TTN-related condition; TTN-related disease; TTN-related disorders.
Cardiovascular phenotype. Identifiers: MedGen CN230736.

Allele frequency attached by ClinVar (database versions not stated): gnomAD exomes below 0.00001; TOPMed below 0.00001.

Submissions (5):

GeneDx
Classification: Likely pathogenic. Last evaluated: 2026-08-19. Review status: criteria provided, single submitter. Criteria: GeneDx Variant Classification Process June 2021. Collection method: clinical testing. Allele origin: germline.
Comment: Reported in patients with dilated cardiomyopathy in published literature, although detailed clinical information was not provided (PMID: 40155426); Frameshift variant predicted to result in protein truncation or nonsense mediated decay in a gene for which loss of function is a known mechanism of disease; Not observed at significant frequency in large population cohorts (gnomAD); Located in the A-band, a region of TTN for which truncating variants are significantly associated with autosomal dominant cardiomyopathy and also with autosomal recessive skeletal myopathies (PMID: 22335739, 32778822); This variant is associated with the following publications: (PMID: 22335739, 32778822, 40155426)

Labcorp Genetics (formerly Invitae), Labcorp
Classification: Pathogenic for Dilated cardiomyopathy 1G; Autosomal recessive limb-girdle muscular dystrophy type 2J. Last evaluated: 2026-01-18. Review status: criteria provided, single submitter. Criteria: Invitae Variant Classification Sherloc (09022015). Collection method: clinical testing. Allele origin: germline.
Comment: This sequence change creates a premature translational stop signal (p.Arg32372Lysfs*9) in the TTN gene. While this is not anticipated to result in nonsense mediated decay, it is expected to create a truncated TTN protein. This variant is not present in population databases (gnomAD no frequency). This premature translational stop signal has been observed in individuals with dilated cardiomyopathy (internal data). ClinVar contains an entry for this variant (Variation ID: 418768). This variant is located in the A band of TTN (PMID: 25589632). Truncating variants in this region are significantly overrepresented in patients affected with dilated cardiomyopathy (PMID: 25589632). Truncating variants in this region have also been reported in individuals affected with autosomal recessive centronuclear myopathy (PMID: 23975875). For these reasons, this variant has been classified as Pathogenic.

Ambry Genetics
Classification: Likely pathogenic for Cardiovascular phenotype. Last evaluated: 2024-12-20. Review status: criteria provided, single submitter. Criteria: Ambry Variant Classification Scheme 2023. Collection method: clinical testing. Allele origin: germline.
Comment: The c.69919dupA variant, located in coding exon 175 of the TTN gene, results from a duplication of A at nucleotide position 69919, causing a translational frameshift with a predicted alternate stop codon (p.R23307Kfs*9). This exon is located in the A-band region of the N2-B isoform of the titin protein and is constitutively expressed in TTN transcripts (percent spliced in or PSI 100%). This alteration is expected to result in loss of function by premature protein truncation or nonsense-mediated mRNA decay. While truncating variants in TTN are present in 1-3% of the general population, truncating variants in the A-band are the most common cause of dilated cardiomyopathy (DCM) (Herman DS et al. N. Engl. J. Med., 2012 Feb;366:619-28; Roberts AM et al. Sci Transl Med, 2015 Jan;7:270ra6). TTN truncating variants encoded in constitutive exons (PSI >90%) have been found to be significantly associated with DCM regardless of their position in titin (Schafer S et al. Nat. Genet., 2017 01;49:46-53). This variant is considered to be rare based on population cohorts in the Genome Aggregation Database (gnomAD). Based on the majority of available evidence to date, this variant is likely to be pathogenic.

Labcorp Genetics (formerly Invitae), Labcorp
Classification: Likely pathogenic for Dilated cardiomyopathy 1G. Last evaluated: 2017-02-24. Review status: criteria provided, single submitter. Criteria: Invitae Variant Classification Sherloc (09022015). Collection method: clinical testing. Allele origin: germline.
Comment: This sequence change inserts 1 nucleotide in exon 348 of the TTN mRNA (c.97114dupA), causing a frameshift at codon 32372. This creates a premature translational stop signal (p.Arg32372Lysfs*9) and is expected to result in a disrupted protein product. This variant is found in the A-band of this gene. While this particular variant has not been reported in the literature, truncating variants in the A-band of TTN are significantly overrepresented in patients with dilated cardiomyopathy and are considered to be likely pathogenic for the disease (PMID: 25589632). For these reasons, this variant has been classified as Likely Pathogenic.

PreventionGenetics, part of Exact Sciences
Classification: Likely pathogenic for TTN-related condition. Last evaluated: 2024-09-11. Review status: no assertion criteria provided. Collection method: clinical testing. Allele origin: germline. Not counted in ClinVar's aggregate classification.
Comment: The TTN c.97114dupA variant is predicted to result in a frameshift and premature protein termination (p.Arg32372Lysfs*9). This variant occurs within the A-band region of the titin protein in which truncating TTN variants have been found more frequently in dilated cardiomyopathy patients than in controls (Herman DS et al. 2012. PubMed ID: 22335739). RNAseq studies from heart tissue indicate this exon is commonly included in TTN mRNA transcripts (PSI of 100%, Roberts AM et al. 2015. PubMed ID: 25589632). TTN truncating variants are reported in 1-2% of presumably healthy individuals and occur more frequently in exons with low PSI values, indicating that this variant is more likely to be disease causing (Herman et al. 2012. PMID: 22335739; Roberts et al. 2015. PMID: 25589632). To our knowledge, this variant has not been reported in the literature or a large population database , indicating this variant is rare. Of note, truncating TTN variants in constitutive exons (PSI > 90%) are significantly associated with dilated cardiomyopathy (DCM) irrespective of their position in TTN (Schafer S et al. 2017. PubMed ID: 27869827). In addition, truncating TTN variants have been associated with autosomal recessive congenital titinopathies (Oates et al. 2018. PubMed ID: 29691892; Bryen et al. 2020. PubMed ID: 31660661). Therefore, the c.97114dupA variant is interpreted as likely pathogenic for recessive and dominant TTN-related disorders.

Literature cited by the submitters: PubMed 25589632 (cited by Labcorp Genetics (formerly Invitae), Labcorp); PubMed 23975875 (cited by Labcorp Genetics (formerly Invitae), Labcorp).

NM_001267550.2(TTN):c.97114dup (p.Arg32372fs)

Genes: TTN-AS1 (TTN antisense RNA 1; plus strand), TTN (titin; minus strand). Cytogenetic location: 2q31.2.
Variant type: Duplication.
Coding change: c.97114dup on transcript NM_001267550.2 (MANE Select); coding-DNA position 97114, one base duplicated (A; older notation c.97114dupA).
Protein change: p.Arg32372fs; shifts the reading frame from arginine 32372.
Molecular consequence: frameshift variant.
Genome position (GRCh38, 1-based): chr2:178,542,740, T duplicated on the plus strand (A on the coding strand, the reverse complement: TTN is on the minus strand). VCF-style (leftmost placement, unchanged base first): chr2-178542739-C-CT. GRCh37 (hg19) VCF-style: chr2-179407466-C-CT.
Other names: c.92191dupA (NM_001256850.1); c.97114dupA (NM_001267550.2); c.92191dup, p.Arg30731fs (NM_001256850.1); c.69919dup, p.Arg23307fs (NM_003319.4); c.89410dup, p.Arg29804fs (NM_133378.4); c.70294dup, p.Arg23432fs (NM_133432.3); c.70495dup, p.Arg23499fs (NM_133437.4); c.69919dupA (NM_003319.4); short protein forms R23499fs, R32372fs, R23307fs, R29804fs, R23432fs, R30731fs.
Identifiers: ClinVar variation 418768 (VCV000418768.14), dbSNP rs1064793419, ClinGen allele CA16617332.